The following is an entry in ClinVar:

NM_000059.4(BRCA2):c.10190C>T (p.Ser3397Phe)

Gene: BRCA2 (BRCA2 DNA repair associated; plus strand). Cytogenetic location: 13q13.1.
Variant type: single nucleotide variant.
Coding change: c.10190C>T on transcript NM_000059.4 (MANE Select); coding-DNA position 10190, C replaced by T.
Protein change: p.Ser3397Phe; replaces serine 3397 with phenylalanine.
Molecular consequence: missense variant.
Genome position (GRCh38, 1-based): chr13:32,398,703, C>T. VCF-style: chr13-32398703-C-T. GRCh37 (hg19) VCF-style: chr13-32972840-C-T.
Other names: c.10094C>T, p.Ser3365Phe (NM_001406719.1); c.10139C>T, p.Ser3380Phe (NM_001406720.1); c.5258C>T, p.Ser1753Phe (NM_001406721.1); c.3773C>T, p.Ser1258Phe (NM_001406722.1); short protein forms S3397F, S1258F, S3365F, S1753F, S3380F.
Identifiers: ClinVar variation 2122384 (VCV002122384.4), dbSNP rs2137667526, ClinGen allele CA387768358.
Genomic context (GRCh38, chr13:32,398,703, plus strand): 5'-AAGATTATCTCAGACTGAAACGACGTTGTACTACATCTCTGATCAAAGAACAGGAGAGTT[C>T]CCAGGCCAGTACGGAAGAATGTGAGAAAAATAAGCAGGACACAATTACAACTAAAAAATA-3'
Protein context (NP_000050.3, residues 3387-3407): TTSLIKEQES[Ser3397Phe]QASTEECEKN

ClinVar aggregate classification (germline): Uncertain significance (1 of 4 stars; one submission).

Conditions:
Hereditary breast ovarian cancer syndrome. Also called: Hereditary breast and ovarian cancer syndrome (HBOC); Hereditary breast and/or ovarian cancer syndrome; Hereditary breast and ovarian cancer; BRCA1- and BRCA2-Associated Hereditary Breast and Ovarian Cancer; Breast and ovarian cancer; Hereditary breast and ovarian cancer syndrome. Identifiers: Orphanet 145, MedGen C0677776, MeSH D061325, MONDO:0003582. Disease mechanism: loss of function.

Submission:

Labcorp Genetics (formerly Invitae), Labcorp
Classification: Uncertain significance for Hereditary breast ovarian cancer syndrome. Last evaluated: 2022-04-07. Review status: criteria provided, single submitter. Criteria: Invitae Variant Classification Sherloc (09022015). Collection method: clinical testing. Allele origin: germline.
Comment: In summary, the available evidence is currently insufficient to determine the role of this variant in disease. Therefore, it has been classified as a Variant of Uncertain Significance. Advanced modeling of protein sequence and biophysical properties (such as structural, functional, and spatial information, amino acid conservation, physicochemical variation, residue mobility, and thermodynamic stability) performed at Invitae indicates that this missense variant is not expected to disrupt BRCA2 protein function. This sequence change replaces serine, which is neutral and polar, with phenylalanine, which is neutral and non-polar, at codon 3397 of the BRCA2 protein (p.Ser3397Phe). This variant is not present in population databases (gnomAD no frequency). This missense change has been observed in individual(s) with personal and/or family history of breast and ovarian cancer (PMID: 28111427).

Literature cited by the submitters: PubMed 28111427.